The following is an entry in ClinVar:

ClinVar aggregate classification (germline): Uncertain significance (1 of 4 stars; one submission).

Conditions:
Neurofibromatosis, type 1 (NF1). Also called: VON RECKLINGHAUSEN DISEASE; Peripheral type neurofibromatosis; NEUROFIBROMATOSIS, TYPE I, SOMATIC; Neurofibromatosis, type I. Identifiers: Orphanet 636, MedGen C0027831, MONDO:0018975, OMIM 162200. Disease mechanism: loss of function.

Submission:

Labcorp Genetics (formerly Invitae), Labcorp
Classification: Uncertain significance for Neurofibromatosis, type 1. Last evaluated: 2024-04-16. Review status: criteria provided, single submitter. Criteria: Invitae Variant Classification Sherloc (09022015). Collection method: clinical testing. Allele origin: germline.
Comment: This sequence change replaces glutamine, which is neutral and polar, with arginine, which is basic and polar, at codon 1801 of the NF1 protein (p.Gln1801Arg). This variant is not present in population databases (gnomAD no frequency). This variant has not been reported in the literature in individuals affected with NF1-related conditions. Advanced modeling of protein sequence and biophysical properties (such as structural, functional, and spatial information, amino acid conservation, physicochemical variation, residue mobility, and thermodynamic stability) performed at Invitae indicates that this missense variant is not expected to disrupt NF1 protein function with a negative predictive value of 95%. In summary, the available evidence is currently insufficient to determine the role of this variant in disease. Therefore, it has been classified as a Variant of Uncertain Significance.

NM_001042492.3(NF1):c.5465A>G (p.Gln1822Arg)

Gene: NF1 (neurofibromin 1; plus strand). Cytogenetic location: 17q11.2.
Variant type: single nucleotide variant.
Coding change: c.5465A>G on transcript NM_001042492.3 (MANE Select); coding-DNA position 5465, A replaced by G.
Protein change: p.Gln1822Arg; replaces glutamine 1822 with arginine.
Molecular consequence: missense variant.
Genome position (GRCh38, 1-based): chr17:31,327,695, A>G. VCF-style: chr17-31327695-A-G. GRCh37 (hg19) VCF-style: chr17-29654713-A-G.
Other names: c.5402A>G, p.Gln1801Arg (NM_000267.4); short protein forms Q1801R, Q1822R.
Identifiers: ClinVar variation 3634571 (VCV003634571.2).